The following is an entry in ClinVar:

ClinVar aggregate classification (germline): Uncertain significance. Review status: criteria provided, single submitter (1 of 4 stars). 2 submissions from 2 submitters: Uncertain significance (1). 1 of the submissions does not count toward it. Last evaluated 2024-02-24.

Conditions:
Spondyloepimetaphyseal dysplasia, Genevieve type. Also called: SEMD Genevieve type; NANS DEFICIENCY. Identifiers: Orphanet 168454, MedGen C1864872, MONDO:0012495, OMIM 610442.

Submissions (2):

Labcorp Genetics (formerly Invitae), Labcorp
Classification: Uncertain significance. Last evaluated: 2024-02-24. Review status: criteria provided, single submitter. Criteria: Invitae Variant Classification Sherloc (09022015). Collection method: clinical testing. Allele origin: germline.
Comment: This variant, c.979_981dup, results in the insertion of 1 amino acid(s) of the NANS protein (p.Ile327dup), but otherwise preserves the integrity of the reading frame. This variant is not present in population databases (gnomAD no frequency). This variant has been observed in individual(s) with clinical features of Spondyloepimetaphyseal dysplasia, Camera-Genevieve type (PMID: 27213289). ClinVar contains an entry for this variant (Variation ID: 235189). In summary, the available evidence is currently insufficient to determine the role of this variant in disease. Therefore, it has been classified as a Variant of Uncertain Significance.

OMIM
Classification: Pathogenic for SPONDYLOEPIMETAPHYSEAL DYSPLASIA, GENEVIEVE TYPE. Last evaluated: 2017-06-20. Review status: no assertion criteria provided. Collection method: literature only. Allele origin: germline. Not counted in ClinVar's aggregate classification.

Literature cited by the submitters: PubMed 27213289 (cited by Labcorp Genetics (formerly Invitae), Labcorp and OMIM).

NM_018946.4(NANS):c.979_981dup (p.Ile327dup)

Genes: NANS (N-acetylneuraminate synthase; plus strand), TRIM14 (tripartite motif containing 14; minus strand). Cytogenetic location: 9q22.33.
Variant type: Duplication.
Coding change: c.979_981dup on transcript NM_018946.4 (MANE Select); coding-DNA positions 979 to 981, 3 bases duplicated (ATC; older notation c.979_981dupATC).
Protein change: p.Ile327dup; duplicates isoleucine 327.
Molecular consequence: inframe insertion.
Genome position (GRCh38, 1-based): chr9:98,082,954-98,082,956, ATC duplicated; duplicating any 3 consecutive bases within chr9:98,082,953-98,082,956 gives the same sequence; the c. name uses the placement nearest the transcript's 3' end. VCF-style (leftmost placement, unchanged base first): chr9-98082952-A-ACAT. GRCh37 (hg19) VCF-style: chr9-100845234-A-ACAT.
Identifiers: ClinVar variation 235189 (VCV000235189.7), dbSNP rs878853268, ClinGen allele CA10581239.